The following is an entry in ClinVar:

ClinVar aggregate classification (germline): Pathogenic (1 of 4 stars; one submission).

Submission:

GeneDx
Classification: Pathogenic. Last evaluated: 2017-03-07. Review status: criteria provided, single submitter. Criteria: GeneDx Variant Classification (06012015). Collection method: clinical testing. Allele origin: germline. Affected: yes.
Comment: The E266X nonsense variant in the TBX1 gene is predicted to cause loss of normal protein function either through protein truncation or nonsense-mediated mRNA decay. The variant is not observed in large population cohorts (Lek et al., 2016; 1000 Genomes Consortium et al., 2015; Exome Variant Server). Although this variant has not been reported previously to our knowledge, we consider it to be pathogenic.

NM_001379200.1(TBX1):c.823G>T (p.Glu275Ter)

Gene: TBX1 (T-box transcription factor 1; plus strand). Cytogenetic location: 22q11.21.
Variant type: single nucleotide variant.
Coding change: c.823G>T on transcript NM_001379200.1 (MANE Select); coding-DNA position 823, G replaced by T.
Protein change: p.Glu275Ter; replaces glutamic acid 275 with a stop codon.
Molecular consequence: nonsense.
Genome position (GRCh38, 1-based): chr22:19,765,069, G>T. VCF-style: chr22-19765069-G-T. GRCh37 (hg19) VCF-style: chr22-19752592-G-T.
Other names: c.796G>T, p.Glu266Ter (NM_005992.1, NM_080646.2, NM_080647.1); short protein forms E266*, E275*.
Identifiers: ClinVar variation 424199 (VCV000424199.2), dbSNP rs144848597, ClinGen allele CA16621036.
Genomic context (GRCh38, chr22:19,765,069, plus strand): 5'-GTGGACCCACGCAAAGATAGCGAGAAATATGCCGAGGAGAACTTCAAAACCTTTGTGTTC[G>T]AGGAGACACGATTCACCGCGGTCACTGCCTACCAGAACCATCGGGTGAGGGCCTGTGGGG-3'